The following is an entry in ClinVar:

NM_006231.4(POLE):c.5083G>C (p.Gly1695Arg)

Gene: POLE (DNA polymerase epsilon, catalytic subunit; minus strand). Cytogenetic location: 12q24.33.
Variant type: single nucleotide variant.
Coding change: c.5083G>C on transcript NM_006231.4 (MANE Select); coding-DNA position 5083, G replaced by C.
Protein change: p.Gly1695Arg; replaces glycine 1695 with arginine.
Molecular consequence: missense variant.
Genome position (GRCh38, 1-based): chr12:132,642,267, C>G on the plus strand (G>C on the coding strand, the complement: POLE is on the minus strand). VCF-style: chr12-132642267-C-G. GRCh37 (hg19) VCF-style: chr12-133218853-C-G.
Other names: c.5083G>C (NM_006231.2); short protein forms G1695R.
Identifiers: ClinVar variation 840090 (VCV000840090.10), dbSNP rs1457549036, ClinGen allele CA387376991.

ClinVar aggregate classification (germline): Uncertain significance. Review status: criteria provided, multiple submitters, no conflicts (2 of 4 stars). 2 submissions from 2 submitters: Uncertain significance (2). Last evaluated 2025-12-24.

Conditions:
Hereditary cancer-predisposing syndrome. Also called: Neoplastic Syndromes, Hereditary; Tumor predisposition; Hereditary neoplastic syndrome; Hereditary Cancer Syndrome. Identifiers: Orphanet 140162, MedGen C0027672, MeSH D009386, MONDO:0015356.

Allele frequency attached by ClinVar (database versions not stated): TOPMed below 0.00001; gnomAD 0.00001.
gnomAD v4.1: 1 of 1,611,270 alleles (0.000062%); highest among the groups gnomAD compares: Non-Finnish European, 0.000085%; no homozygotes.

Submissions (2):

Labcorp Genetics (formerly Invitae), Labcorp
Classification: Uncertain significance. Last evaluated: 2025-12-24. Review status: criteria provided, single submitter. Criteria: Invitae Variant Classification Sherloc (09022015). Collection method: clinical testing. Allele origin: germline.
Comment: This sequence change replaces glycine, which is neutral and non-polar, with arginine, which is basic and polar, at codon 1695 of the POLE protein (p.Gly1695Arg). This variant is not present in population databases (gnomAD no frequency). This variant has not been reported in the literature in individuals affected with POLE-related conditions. ClinVar contains an entry for this variant (Variation ID: 840090). Invitae Evidence Modeling of protein sequence and biophysical properties (such as structural, functional, and spatial information, amino acid conservation, physicochemical variation, residue mobility, and thermodynamic stability) indicates that this missense variant is expected to disrupt POLE protein function with a positive predictive value of 80%. In summary, the available evidence is currently insufficient to determine the role of this variant in disease. Therefore, it has been classified as a Variant of Uncertain Significance.

Ambry Genetics
Classification: Uncertain significance for Hereditary cancer-predisposing syndrome. Last evaluated: 2024-10-17. Review status: criteria provided, single submitter. Criteria: Ambry Variant Classification Scheme 2023. Collection method: clinical testing. Allele origin: germline.
Comment: The p.G1695R variant (also known as c.5083G>C), located in coding exon 38 of the POLE gene, results from a G to C substitution at nucleotide position 5083. The glycine at codon 1695 is replaced by arginine, an amino acid with dissimilar properties. This amino acid position is conserved. In addition, this alteration is predicted to be deleterious by in silico analysis. Based on the available evidence, the clinical significance of this variant remains unclear.